The following is an entry in ClinVar:

ClinVar aggregate classification (germline): Uncertain significance (1 of 4 stars; one submission).

Conditions:
Amyotrophic lateral sclerosis, susceptibility to, 25. Identifiers: MedGen C4693609, MONDO:0060670, OMIM 617921.

Submission:

Kariminejad - Najmabadi Pathology & Genetics Center
Classification: Uncertain significance for Amyotrophic lateral sclerosis, susceptibility to, 25. Last evaluated: 2024-04-14. Review status: criteria provided, single submitter. Criteria: ACMG Guidelines, 2015. Collection method: clinical testing. Allele origin: germline. Inheritance: Autosomal dominant inheritance. Affected: yes.
Comment: PM2,PP3,PP2,PM1

NM_004984.4(KIF5A):c.2993G>T (p.Gly998Val)

Gene: KIF5A (kinesin family member 5A; plus strand). Cytogenetic location: 12q13.3.
Variant type: single nucleotide variant.
Coding change: c.2993G>T on transcript NM_004984.4 (MANE Select); coding-DNA position 2993, G replaced by T.
Protein change: p.Gly998Val; replaces glycine 998 with valine.
Molecular consequence: missense variant.
Genome position (GRCh38, 1-based): chr12:57,582,602, G>T. VCF-style: chr12-57582602-G-T. GRCh37 (hg19) VCF-style: chr12-57976385-G-T.
Other names: c.2726G>T, p.Gly909Val (NM_001354705.2); short protein forms G909V, G998V.
Identifiers: ClinVar variation 3896893 (VCV003896893.1).